The following is an entry in ClinVar:

ClinVar aggregate classification (germline): Benign (0 of 4 stars; one submission).

Conditions:
PRRC2A-related disorder. Also called: PRRC2A-related condition.

Submission:

PreventionGenetics, part of Exact Sciences
Classification: Benign for PRRC2A-related condition. Last evaluated: 2019-02-21. Review status: no assertion criteria provided. Collection method: clinical testing. Allele origin: germline.
Comment: This variant is classified as benign based on ACMG/AMP sequence variant interpretation guidelines (Richards et al. 2015 PMID: 25741868, with internal and published modifications).

NM_004638.4(PRRC2A):c.1533_1544del (p.508PAAP[1])

Gene: PRRC2A (proline rich coiled-coil 2A; plus strand). Cytogenetic location: 6p21.33.
Variant type: Deletion.
Coding change: c.1533_1544del on transcript NM_004638.4 (MANE Select); coding-DNA positions 1533 to 1544, 12 bases deleted (ACCTGCTGCCCC).
Protein change: p.508PAAP[1].
Genome position (GRCh38, 1-based): chr6:31,628,007-31,628,018, ACCTGCTGCCCC deleted; deleting any 12 consecutive bases within chr6:31,627,996-31,628,018 gives the same sequence; the c. name uses the placement nearest the transcript's 3' end. VCF-style (leftmost placement, unchanged base first): chr6-31627995-GCCTGCTGCCCCA-G. GRCh37 (hg19) VCF-style: chr6-31595772-GCCTGCTGCCCCA-G.
Other names: c.1533_1544del, p.508PAAP[1] (NM_080686.3).
Identifiers: ClinVar variation 3055998 (VCV003055998.2), dbSNP rs149965706, ClinGen allele CA3715414.
Genomic context (GRCh38, chr6:31,627,995, plus strand): 5'-TGAGAAGCTCAAGCGACTCGATGAAAAGTTTGGGGCACCTGACAAGCGGCTCAAAGCAGA[GCCTGCTGCCCCA>G]CCTGCTGCCCCTTCTACCCCAGCTCCACCACCTGCAGTCCCTAAAGAACTCCCTGCACCT-3'